The following is an entry in ClinVar:

ClinVar aggregate classification (germline): Uncertain significance (1 of 4 stars; one submission).

Conditions:
DICER1-related tumor predisposition. Also called: DICER1-related pleuropulmonary blastoma cancer predisposition syndrome; DICER1 syndrome. Identifiers: Orphanet 284343, MedGen C3839822, MONDO:0100216.

Submission:

Labcorp Genetics (formerly Invitae), Labcorp
Classification: Uncertain significance for DICER1-related tumor predisposition. Last evaluated: 2021-03-18. Review status: criteria provided, single submitter. Criteria: Invitae Variant Classification Sherloc (09022015). Collection method: clinical testing. Allele origin: germline.
Comment: This variant is not present in population databases (ExAC no frequency). This sequence change replaces histidine with leucine at codon 1325 of the DICER1 protein (p.His1325Leu). The histidine residue is highly conserved and there is a moderate physicochemical difference between histidine and leucine. This variant has not been reported in the literature in individuals with DICER1-related conditions. Algorithms developed to predict the effect of missense changes on protein structure and function are either unavailable or do not agree on the potential impact of this missense change (SIFT: "Tolerated"; PolyPhen-2: "Probably Damaging"; Align-GVGD: "Class C0"). In summary, the available evidence is currently insufficient to determine the role of this variant in disease. Therefore, it has been classified as a Variant of Uncertain Significance.

NM_177438.3(DICER1):c.3974A>T (p.His1325Leu)

Gene: DICER1 (dicer 1, ribonuclease III; minus strand). Cytogenetic location: 14q32.13.
Variant type: single nucleotide variant.
Coding change: c.3974A>T on transcript NM_177438.3 (MANE Select); coding-DNA position 3974, A replaced by T.
Protein change: p.His1325Leu; replaces histidine 1325 with leucine.
Molecular consequence: missense variant.
Genome position (GRCh38, 1-based): chr14:95,103,422, T>A on the plus strand (A>T on the coding strand, the complement: DICER1 is on the minus strand). VCF-style: chr14-95103422-T-A. GRCh37 (hg19) VCF-style: chr14-95569759-T-A.
Other names: c.3974A>T, p.His1325Leu (NM_001195573.1, NM_001271282.3, NM_001291628.2 and 1 more transcripts); short protein forms H1325L.
Identifiers: ClinVar variation 1462661 (VCV001462661.9), dbSNP rs2139955233, ClinGen allele CA390873043.
Genomic context (GRCh38, chr14:95,103,422, plus strand): 5'-TATGAAAGGCGGCCCTCATGCGCATCAGGGTAAGTGCAAAATAGATATGTGGTGATGGCA[T>A]GCTTTAAAAAGGAGTCGCCAAGCATTTCAAGCCGCTCCAGGTTAAATCCATCACTAGCGT-3'
Protein context (NP_803187.1, residues 1315-1335): LEMLGDSFLK[His1325Leu]AITTYLFCTY